The following is an entry in ClinVar:

NM_000455.5(STK11):c.290+4_290+7del

Gene: STK11 (serine/threonine kinase 11; plus strand). Cytogenetic location: 19p13.3.
Variant type: Microsatellite.
Coding change: c.290+4_290+7del on transcript NM_000455.5 (MANE Select); bases 4 to 7 of the intron after coding-DNA position 290, 4 bases deleted (AGTA; older notation c.290+4_290+7delAGTA).
Molecular consequence: splice donor variant.
Genome position (GRCh38, 1-based): chr19:1,207,207-1,207,210, AGTA deleted; deleting any 4 consecutive bases within chr19:1,207,202-1,207,210 gives the same sequence; the c. name uses the placement nearest the transcript's 3' end. VCF-style (leftmost placement, unchanged base first): chr19-1207201-GAAGT-G. GRCh37 (hg19) VCF-style: chr19-1207200-GAAGT-G.
Other names: c.290+4_290+7delAGTA (NM_000455.4).
Identifiers: ClinVar variation 141902 (VCV000141902.15), dbSNP rs587782096, ClinGen allele CA022776.

ClinVar aggregate classification (germline): Uncertain significance. Review status: criteria provided, multiple submitters, no conflicts (2 of 4 stars). 4 submissions from 4 submitters: Uncertain significance (4). Last evaluated 2025-07-27.

Conditions:
Hereditary cancer-predisposing syndrome. Also called: Neoplastic Syndromes, Hereditary; Hereditary Cancer Syndrome; Hereditary neoplastic syndrome; Tumor predisposition. Identifiers: Orphanet 140162, MedGen C0027672, MeSH D009386, MONDO:0015356.
Peutz-Jeghers syndrome (PJS). Also called: Peutz-Jeghers polyposis; Periorificial lentiginosis syndrome; POLYPOSIS, HAMARTOMATOUS INTESTINAL; POLYPS-AND-SPOTS SYNDROME. Identifiers: Orphanet 2869, MedGen C0031269, MeSH D010580, MONDO:0008280, OMIM 175200.

Submissions (4):

Labcorp Genetics (formerly Invitae), Labcorp
Classification: Uncertain significance for Peutz-Jeghers syndrome. Last evaluated: 2025-07-27. Review status: criteria provided, single submitter. Criteria: Invitae Variant Classification Sherloc (09022015). Collection method: clinical testing. Allele origin: germline.
Comment: This sequence change falls in intron 1 of the STK11 gene. It does not directly change the encoded amino acid sequence of the STK11 protein. It affects a nucleotide within the consensus splice site. This variant is not present in population databases (gnomAD no frequency). This variant has not been reported in the literature in individuals affected with STK11-related conditions. ClinVar contains an entry for this variant (Variation ID: 141902). Variants that disrupt the consensus splice site are a relatively common cause of aberrant splicing (PMID: 17576681, 9536098). Algorithms developed to predict the effect of sequence changes on RNA splicing suggest that this variant may disrupt the consensus splice site. In summary, the available evidence is currently insufficient to determine the role of this variant in disease. Therefore, it has been classified as a Variant of Uncertain Significance.

Ambry Genetics
Classification: Uncertain significance for Hereditary cancer-predisposing syndrome. Last evaluated: 2023-11-20. Review status: criteria provided, single submitter. Criteria: Ambry Variant Classification Scheme 2023. Collection method: clinical testing. Allele origin: germline.
Comment: The c.290+4_290+7delAGTA intronic variant, located in intron 1 of the STK11 gene, results from a deletion of 4 nucleotides within intron 1 of the STK11 gene. The nucleotide positions in this region are generally well conserved in available vertebrate species. In silico splice site analysis predicts that this alteration will not have any significant effect on splicing. Since supporting evidence is limited at this time, the clinical significance of this alteration remains unclear.

Genome-Nilou Lab
Classification: Uncertain significance for Peutz-Jeghers syndrome. Last evaluated: 2021-07-15. Review status: criteria provided, single submitter. Criteria: ACMG Guidelines, 2015. Collection method: clinical testing. Allele origin: germline. Affected: no.

Color Diagnostics, LLC DBA Color Health
Classification: Uncertain significance for Hereditary cancer-predisposing syndrome. Last evaluated: 2019-02-25. Review status: criteria provided, single submitter. Criteria: ACMG Guidelines, 2015. Collection method: clinical testing. Allele origin: germline.

Literature cited by the submitters: PubMed 17576681 (cited by Labcorp Genetics (formerly Invitae), Labcorp); PubMed 9536098 (cited by Labcorp Genetics (formerly Invitae), Labcorp).